The following is an entry in ClinVar:

NM_000264.5(PTCH1):c.1304C>G (p.Ser435Cys)

Gene: PTCH1 (patched 1; minus strand). Cytogenetic location: 9q22.32.
Variant type: single nucleotide variant.
Coding change: c.1304C>G on transcript NM_000264.5 (MANE Select); coding-DNA position 1304, C replaced by G.
Protein change: p.Ser435Cys; replaces serine 435 with cysteine.
Molecular consequence: missense variant. On other transcripts: non-coding transcript variant (1).
Genome position (GRCh38, 1-based): chr9:95,478,098, G>C on the plus strand (C>G on the coding strand, the complement: PTCH1 is on the minus strand). VCF-style: chr9-95478098-G-C. GRCh37 (hg19) VCF-style: chr9-98240380-G-C.
Other names: c.1106C>G, p.Ser369Cys (NM_001083602.3); c.1301C>G, p.Ser434Cys (NM_001083603.3); c.851C>G, p.Ser284Cys (NM_001083604.3, NM_001083605.3, NM_001083606.3 and 1 more transcripts); c.1304C>G, p.Ser435Cys (NM_001354918.2); short protein forms S284C, S369C, S434C, S435C.
Identifiers: ClinVar variation 1052328 (VCV001052328.9), dbSNP rs2118332232, ClinGen allele CA374118785.

ClinVar aggregate classification (germline): Uncertain significance (1 of 4 stars; one submission).

Conditions:
Gorlin syndrome. Also called: Nevoid Basal Cell Carcinoma Syndrome; Basal cell nevus syndrome. Identifiers: Orphanet 377, MedGen C0004779, MONDO:0007187.

Submission:

Labcorp Genetics (formerly Invitae), Labcorp
Classification: Uncertain significance for Gorlin syndrome. Last evaluated: 2020-08-27. Review status: criteria provided, single submitter. Criteria: Invitae Variant Classification Sherloc (09022015). Collection method: clinical testing. Allele origin: germline.
Comment: This sequence change replaces serine with cysteine at codon 435 of the PTCH1 protein (p.Ser435Cys). The serine residue is moderately conserved and there is a moderate physicochemical difference between serine and cysteine. This variant is not present in population databases (ExAC no frequency). This variant has not been reported in the literature in individuals with PTCH1-related conditions. Advanced modeling of protein sequence and biophysical properties (such as structural, functional, and spatial information, amino acid conservation, physicochemical variation, residue mobility, and thermodynamic stability) performed at Invitae indicates that this missense variant is expected to disrupt PTCH1 protein function. In summary, the available evidence is currently insufficient to determine the role of this variant in disease. Therefore, it has been classified as a Variant of Uncertain Significance.